The following is an entry in ClinVar:

ClinVar aggregate classification (germline): Uncertain significance (1 of 4 stars; one submission).

Conditions:
Cardiovascular phenotype. Identifiers: MedGen CN230736.

gnomAD v4.1: 1 of 1,612,774 alleles (0.000062%); highest among the groups gnomAD compares: Non-Finnish European, 0.000085%; no homozygotes.

Submission:

Ambry Genetics
Classification: Uncertain significance for Cardiovascular phenotype. Last evaluated: 2023-11-26. Review status: criteria provided, single submitter. Criteria: Ambry Variant Classification Scheme 2023. Collection method: clinical testing. Allele origin: germline.
Comment: The p.P2951R variant (also known as c.8852C>G), located in coding exon 25 of the TNXB gene, results from a C to G substitution at nucleotide position 8852. The proline at codon 2951 is replaced by arginine, an amino acid with dissimilar properties. This amino acid position is conserved. In addition, this alteration is predicted to be tolerated by in silico analysis. Since supporting evidence is limited at this time, the clinical significance of this alteration remains unclear.

NM_001365276.2(TNXB):c.8858C>G (p.Pro2953Arg)

Gene: TNXB (tenascin XB; minus strand). Cytogenetic location: 6p21.33.
Variant type: single nucleotide variant.
Coding change: c.8858C>G on transcript NM_001365276.2 (MANE Select); coding-DNA position 8858, C replaced by G.
Protein change: p.Pro2953Arg; replaces proline 2953 with arginine.
Molecular consequence: missense variant.
Genome position (GRCh38, 1-based): chr6:32,052,927, G>C on the plus strand (C>G on the coding strand, the complement: TNXB is on the minus strand). VCF-style: chr6-32052927-G-C. GRCh37 (hg19) VCF-style: chr6-32020704-G-C.
Other names: c.9599C>G, p.Pro3200Arg (NM_001428335.1); c.8852C>G, p.Pro2951Arg (NM_019105.8); short protein forms P2951R, P2953R, P3200R.
Identifiers: ClinVar variation 3227346 (VCV003227346.1), dbSNP rs763958858, ClinGen allele CA363545637.